The following is an entry in ClinVar:

ClinVar aggregate classification (germline): Uncertain significance. Review status: criteria provided, multiple submitters, no conflicts (2 of 4 stars). 2 submissions from 2 submitters: Uncertain significance (2). Last evaluated 2024-12-02.

Conditions:
Jeune thoracic dystrophy. Also called: Jeune syndrome; Infantile thoracic dystrophy; Thoracic pelvic phalangeal dystrophy; Jeune's syndrome; Chondroectodermal dysplasia-like syndrome; Short-rib thoracic dysplasia. Identifiers: Orphanet 474, MedGen C0265275, MONDO:0018770.

Allele frequency attached by ClinVar (database versions not stated): TOPMed below 0.00001; gnomAD exomes 0.00001.
gnomAD v4.1: 11 of 1,613,224 alleles (0.00068%); highest among the groups gnomAD compares: Middle Eastern, 0.017%; no homozygotes.

Submissions (2):

Labcorp Genetics (formerly Invitae), Labcorp
Classification: Uncertain significance for Jeune thoracic dystrophy. Last evaluated: 2024-12-02. Review status: criteria provided, single submitter. Criteria: Invitae Variant Classification Sherloc (09022015). Collection method: clinical testing. Allele origin: germline.
Comment: This sequence change replaces cysteine, which is neutral and slightly polar, with arginine, which is basic and polar, at codon 357 of the DYNC2H1 protein (p.Cys357Arg). This variant is present in population databases (no rsID available, gnomAD 0.002%). This variant has not been reported in the literature in individuals affected with DYNC2H1-related conditions. ClinVar contains an entry for this variant (Variation ID: 842668). Invitae Evidence Modeling of protein sequence and biophysical properties (such as structural, functional, and spatial information, amino acid conservation, physicochemical variation, residue mobility, and thermodynamic stability) indicates that this missense variant is not expected to disrupt DYNC2H1 protein function with a negative predictive value of 95%. In summary, the available evidence is currently insufficient to determine the role of this variant in disease. Therefore, it has been classified as a Variant of Uncertain Significance.

Mayo Clinic Laboratories, Mayo Clinic
Classification: Uncertain significance. Last evaluated: 2024-09-12. Review status: criteria provided, single submitter. Criteria: ACMG Guidelines, 2015. Collection method: clinical testing. Allele origin: germline. Observed: 1 variant allele.
Comment: BP4, PM2

NM_001377.3(DYNC2H1):c.1069T>C (p.Cys357Arg)

Gene: DYNC2H1 (dynein cytoplasmic 2 heavy chain 1; plus strand). Cytogenetic location: 11q22.3.
Variant type: single nucleotide variant.
Coding change: c.1069T>C on transcript NM_001377.3 (MANE Select); coding-DNA position 1069, T replaced by C.
Protein change: p.Cys357Arg; replaces cysteine 357 with arginine.
Molecular consequence: missense variant.
Genome position (GRCh38, 1-based): chr11:103,120,516, T>C. VCF-style: chr11-103120516-T-C. GRCh37 (hg19) VCF-style: chr11-102991245-T-C.
Other names: p.Cys357Arg; c.1069T>C, p.Cys357Arg (NM_001080463.2); short protein forms C357R.
Identifiers: ClinVar variation 842668 (VCV000842668.10), dbSNP rs1235977629, ClinGen allele CA382250075.